The following is an entry in ClinVar:

ClinVar aggregate classification (germline): Benign/Likely benign. Review status: criteria provided, multiple submitters, no conflicts (2 of 4 stars). 3 submissions from 3 submitters: Benign (2); Likely benign (1). Last evaluated 2026-01-22.

Conditions:
Lethal multiple pterygium syndrome (LMPS). Identifiers: Orphanet 33108, MedGen C1854678, MONDO:0009668, OMIM 253290.

Allele frequency attached by ClinVar (database versions not stated): TOPMed 0.13518; gnomAD 0.13535 and 0.13301; 1000 Genomes Project 30x 0.14241; 1000 Genomes Project 0.14377.

Submissions (3):

Labcorp Genetics (formerly Invitae), Labcorp
Classification: Benign for Lethal multiple pterygium syndrome. Last evaluated: 2026-01-22. Review status: criteria provided, single submitter. Criteria: Invitae Variant Classification Sherloc (09022015). Collection method: clinical testing. Allele origin: germline.

GeneDx
Classification: Benign. Last evaluated: 2021-05-21. Review status: criteria provided, single submitter. Criteria: GeneDx Variant Classification Process June 2021. Collection method: clinical testing. Allele origin: germline. Affected: yes.
Comment: This variant is associated with the following publications: (PMID: 25910213, 17687331)

PreventionGenetics, part of Exact Sciences
Classification: Likely benign. Review status: criteria provided, single submitter. Criteria: ACMG Guidelines, 2015. Collection method: clinical testing. Allele origin: germline.

NC_000002.12:g.174764872T>C

Gene: CHRNA1 (cholinergic receptor nicotinic alpha 1 subunit; minus strand). Cytogenetic location: 2q31.1.
Variant type: single nucleotide variant.
Genome position: GRCh38 VCF-style: chr2-174764872-T-C. GRCh37 (hg19) VCF-style: chr2-175629600-T-C.
Identifiers: ClinVar variation 257230 (VCV000257230.11), dbSNP rs16862847, ClinGen allele CA10586794.